The following is an entry in ClinVar:

ClinVar aggregate classification (germline): Pathogenic (1 of 4 stars; one submission).

Conditions:
Alagille syndrome due to a JAG1 point mutation. Also called: JAG1-Related Alagille Syndrome; HEPATIC DUCTULAR HYPOPLASIA, SYNDROMATIC; Alagille Syndrome 1. Identifiers: Orphanet 261619, Orphanet 52, MedGen C1956125, MONDO:0016862, OMIM 118450.

Submission:

Labcorp Genetics (formerly Invitae), Labcorp
Classification: Pathogenic for Alagille syndrome due to a JAG1 point mutation. Last evaluated: 2025-08-04. Review status: criteria provided, single submitter. Criteria: Invitae Variant Classification Sherloc (09022015). Collection method: clinical testing. Allele origin: germline.
Comment: This sequence change creates a premature translational stop signal (p.Gln214*) in the JAG1 gene. It is expected to result in an absent or disrupted protein product. Loss-of-function variants in JAG1 are known to be pathogenic (PMID: 11180599). This variant is not present in population databases (gnomAD no frequency). This variant has not been reported in the literature in individuals affected with JAG1-related conditions. For these reasons, this variant has been classified as Pathogenic.

Literature cited by the submitters: PubMed 11180599.

NM_000214.3(JAG1):c.640C>T (p.Gln214Ter)

Gene: JAG1 (jagged canonical Notch ligand 1; minus strand). Cytogenetic location: 20p12.2.
Variant type: single nucleotide variant.
Coding change: c.640C>T on transcript NM_000214.3 (MANE Select); coding-DNA position 640, C replaced by T.
Protein change: p.Gln214Ter; replaces glutamine 214 with a stop codon.
Molecular consequence: nonsense.
Genome position (GRCh38, 1-based): chr20:10,658,522, G>A on the plus strand (C>T on the coding strand, the complement: JAG1 is on the minus strand). VCF-style: chr20-10658522-G-A. GRCh37 (hg19) VCF-style: chr20-10639170-G-A.
Other names: short protein forms Q214*.
Identifiers: ClinVar variation 4724196 (VCV004724196.1).